The following is an entry in ClinVar:

ClinVar aggregate classification (germline): Pathogenic. Review status: criteria provided, multiple submitters, no conflicts (2 of 4 stars). 4 submissions from 4 submitters: Pathogenic (4). Last evaluated 2024-06-18.

Conditions:
LAMA2-related muscular dystrophy (LAMA2-RD). Also called: Laminin alpha 2-related dystrophy. Identifiers: MedGen C5679788, MONDO:0100228.

Submissions (4):

Revvity Omics, Revvity
Classification: Pathogenic. Last evaluated: 2024-06-18. Review status: criteria provided, single submitter. Criteria: ACMG Guidelines, 2015. Collection method: clinical testing. Allele origin: germline.

Labcorp Genetics (formerly Invitae), Labcorp
Classification: Pathogenic for LAMA2-related muscular dystrophy. Last evaluated: 2023-04-22. Review status: criteria provided, single submitter. Criteria: Invitae Variant Classification Sherloc (09022015). Collection method: clinical testing. Allele origin: germline.
Comment: For these reasons, this variant has been classified as Pathogenic. Algorithms developed to predict the effect of sequence changes on RNA splicing suggest that this variant may create or strengthen a splice site. ClinVar contains an entry for this variant (Variation ID: 503808). This premature translational stop signal has been observed in individuals with congenital muscular dystropohy (PMID: 30055037). This variant is not present in population databases (gnomAD no frequency). This sequence change creates a premature translational stop signal (p.Leu2890Phefs*16) in the LAMA2 gene. It is expected to result in an absent or disrupted protein product. Loss-of-function variants in LAMA2 are known to be pathogenic (PMID: 18700894, 32904964).

GeneDx
Classification: Pathogenic. Last evaluated: 2017-11-21. Review status: criteria provided, single submitter. Criteria: GeneDx Variant Classification (06012015). Collection method: clinical testing. Allele origin: germline. Affected: yes.
Comment: The c.8669dupT pathogenic variant in the LAMA2 gene causes a frameshift starting with codon Leucine 2890, changes this amino acid to a Phenylalanine residue and creates a premature Stop codon at position 16 of the new reading frame, denoted p.Leu2890PhefsX16. This pathogenic variant is predicted to cause loss of normal protein function either through protein truncation or nonsense-mediated mRNA decay. The c.8669dupT variant is not observed in large population cohorts (Lek et al., 2016).

Eurofins Ntd Llc (ga)
Classification: Pathogenic. Last evaluated: 2017-07-19. Review status: criteria provided, single submitter. Criteria: EGL Classification Definitions 2015. Collection method: clinical testing. Allele origin: germline. Observed: 1 variant allele, 1 homozygote.

Literature cited by the submitters: PubMed 30055037 (cited by Labcorp Genetics (formerly Invitae), Labcorp); PubMed 18700894 (cited by Labcorp Genetics (formerly Invitae), Labcorp); PubMed 32904964 (cited by Labcorp Genetics (formerly Invitae), Labcorp).

NM_000426.4(LAMA2):c.8669dup (p.Leu2890fs)

Gene: LAMA2 (laminin subunit alpha 2; plus strand). Cytogenetic location: 6q22.33.
Variant type: Duplication.
Coding change: c.8669dup on transcript NM_000426.4 (MANE Select); coding-DNA position 8669, one base duplicated (T; older notation c.8669dupT).
Protein change: p.Leu2890fs; shifts the reading frame from leucine 2890.
Molecular consequence: frameshift variant.
Genome position (GRCh38, 1-based): chr6:129,505,321, T duplicated; the last of 2 consecutive T bases (chr6:129,505,320-129,505,321); duplicating either gives the same sequence. VCF-style (leftmost placement, unchanged base first): chr6-129505319-G-GT. GRCh37 (hg19) VCF-style: chr6-129826464-G-GT.
Other names: c.8669dup (NM_000426.3); c.8669dupT (NM_000426.3); c.8657dup, p.Leu2886fs (NM_001079823.2); short protein forms L2886fs, L2890fs.
Identifiers: ClinVar variation 503808 (VCV000503808.15), dbSNP rs1554316216, ClinGen allele CA658796830.